The following is an entry in ClinVar:

ClinVar aggregate classification (germline): Uncertain significance (1 of 4 stars; one submission).

Conditions:
Hereditary nonpolyposis colorectal neoplasms. Identifiers: MedGen C0009405, MeSH D003123.

Submission:

Labcorp Genetics (formerly Invitae), Labcorp
Classification: Uncertain significance for Hereditary nonpolyposis colorectal neoplasms. Last evaluated: 2019-08-10. Review status: criteria provided, single submitter. Criteria: Invitae Variant Classification Sherloc (09022015). Collection method: clinical testing. Allele origin: germline.
Comment: In summary, the available evidence is currently insufficient to determine the role of this variant in disease. Therefore, it has been classified as a Variant of Uncertain Significance. Algorithms developed to predict the effect of missense changes on protein structure and function (SIFT, PolyPhen-2, Align-GVGD) all suggest that this variant is likely to be tolerated, but these predictions have not been confirmed by published functional studies and their clinical significance is uncertain. This variant has not been reported in the literature in individuals with PMS2-related conditions. This variant is not present in population databases (ExAC no frequency). This sequence change replaces isoleucine with threonine at codon 629 of the PMS2 protein (p.Ile629Thr). The isoleucine residue is weakly conserved and there is a moderate physicochemical difference between isoleucine and threonine.

NM_000535.7(PMS2):c.1886T>C (p.Ile629Thr)

Gene: PMS2 (PMS1 homolog 2, mismatch repair system component; minus strand). Cytogenetic location: 7p22.1.
Variant type: single nucleotide variant.
Coding change: c.1886T>C on transcript NM_000535.7 (MANE Select); coding-DNA position 1886, T replaced by C.
Protein change: p.Ile629Thr; replaces isoleucine 629 with threonine.
Molecular consequence: missense variant. On other transcripts: non-coding transcript variant (1).
Genome position (GRCh38, 1-based): chr7:5,986,879, A>G on the plus strand (T>C on the coding strand, the complement: PMS2 is on the minus strand). VCF-style: chr7-5986879-A-G. GRCh37 (hg19) VCF-style: chr7-6026510-A-G.
Other names: c.1481T>C, p.Ile494Thr (NM_001322003.2, NM_001322004.2, NM_001322005.2 and 1 more transcripts); c.1730T>C, p.Ile577Thr (NM_001322006.2); c.1568T>C, p.Ile523Thr (NM_001322007.2, NM_001322008.2); c.1325T>C, p.Ile442Thr (NM_001322010.2); c.953T>C, p.Ile318Thr (NM_001322011.2, NM_001322012.2); c.1313T>C, p.Ile438Thr (NM_001322013.2); c.1886T>C, p.Ile629Thr (NM_001322014.2); c.1577T>C, p.Ile526Thr (NM_001322015.2); short protein forms I494T, I577T, I318T, I523T, I442T, I526T, I629T, I438T.
Identifiers: ClinVar variation 941722 (VCV000941722.9), dbSNP rs1782948843, ClinGen allele CA16622025.